The following is an entry in ClinVar:

ClinVar aggregate classification (germline): Uncertain significance. Review status: criteria provided, multiple submitters, no conflicts (2 of 4 stars). 2 submissions from 2 submitters: Uncertain significance (2). Last evaluated 2026-02-09.

Conditions:
ABCC2-related disorder. Also called: ABCC2-related condition.

gnomAD v4.1: 84 of 1,613,944 alleles (0.0052%); highest among the groups gnomAD compares: Admixed American, 0.017%; no homozygotes.

Submissions (2):

PreventionGenetics, part of Exact Sciences
Classification: Uncertain significance for ABCC2-related condition. Last evaluated: 2026-02-09. Review status: criteria provided, single submitter. Criteria: ACMG Guidelines, 2015. Collection method: clinical testing. Allele origin: germline.
Comment: The ABCC2 c.778C>T variant is predicted to result in the amino acid substitution p.Arg260Trp. To our knowledge, this variant has not been reported in the literature. This variant is reported in 0.025% of alleles in individuals of Latino descent in gnomAD. At this time, the clinical significance of this variant is uncertain due to the absence of conclusive functional and genetic evidence.

Labcorp Genetics (formerly Invitae), Labcorp
Classification: Uncertain significance. Last evaluated: 2025-07-14. Review status: criteria provided, single submitter. Criteria: Invitae Variant Classification Sherloc (09022015). Collection method: clinical testing. Allele origin: germline.
Comment: This sequence change replaces arginine, which is basic and polar, with tryptophan, which is neutral and slightly polar, at codon 260 of the ABCC2 protein (p.Arg260Trp). This variant is present in population databases (rs370287805, gnomAD 0.03%). This variant has not been reported in the literature in individuals affected with ABCC2-related conditions. Invitae Evidence Modeling of protein sequence and biophysical properties (such as structural, functional, and spatial information, amino acid conservation, physicochemical variation, residue mobility, and thermodynamic stability) indicates that this missense variant is not expected to disrupt ABCC2 protein function with a negative predictive value of 95%. In summary, the available evidence is currently insufficient to determine the role of this variant in disease. Therefore, it has been classified as a Variant of Uncertain Significance.

NM_000392.5(ABCC2):c.778C>T (p.Arg260Trp)

Gene: ABCC2 (ATP binding cassette subfamily C member 2; plus strand). Cytogenetic location: 10q24.2.
Variant type: single nucleotide variant.
Coding change: c.778C>T on transcript NM_000392.5 (MANE Select); coding-DNA position 778, C replaced by T.
Protein change: p.Arg260Trp; replaces arginine 260 with tryptophan.
Molecular consequence: missense variant.
Genome position (GRCh38, 1-based): chr10:99,797,242, C>T. VCF-style: chr10-99797242-C-T. GRCh37 (hg19) VCF-style: chr10-101556999-C-T.
Other names: c.778C>T (NM_000392.4); short protein forms R260W.
Identifiers: ClinVar variation 4740760 (VCV004740760.2).
Genomic context (GRCh38, chr10:99,797,242, plus strand): 5'-AGCAAGTTTGAAACGCACATGAAGAGAGAGCTGCAGAAAGCCAGGCGGGCACTCCAGAGA[C>T]GGCAGGAGAAGAGCTCCCAGCAGAACTCTGGAGCCAGGCTGCCTGGCTTGAACAAGAATC-3'
Protein context (NP_000383.2, residues 250-270): LQKARRALQR[Arg260Trp]QEKSSQQNSG